The following is an entry in ClinVar:

ClinVar aggregate classification (germline): Uncertain significance. Review status: criteria provided, multiple submitters, no conflicts (2 of 4 stars). 2 submissions from 2 submitters: Uncertain significance (2). Last evaluated 2024-08-28.

Allele frequency attached by ClinVar (database versions not stated): gnomAD exomes below 0.00001; gnomAD 0.00001; ExAC 0.00002; TOPMed 0.00002.
gnomAD v4.1: 11 of 1,614,116 alleles (0.00068%); highest among the groups gnomAD compares: Middle Eastern, 0.016%; no homozygotes.

Submissions (2):

Ambry Genetics
Classification: Uncertain significance. Last evaluated: 2024-08-28. Review status: criteria provided, single submitter. Criteria: Ambry Variant Classification Scheme 2023. Collection method: clinical testing. Allele origin: germline.

Labcorp Genetics (formerly Invitae), Labcorp
Classification: Uncertain significance. Last evaluated: 2022-10-17. Review status: criteria provided, single submitter. Criteria: Invitae Variant Classification Sherloc (09022015). Collection method: clinical testing. Allele origin: germline.
Comment: This sequence change replaces glycine, which is neutral and non-polar, with arginine, which is basic and polar, at codon 1439 of the FBN3 protein (p.Gly1439Arg). This variant is present in population databases (rs755118035, gnomAD 0.0009%). This variant has not been reported in the literature in individuals affected with FBN3-related conditions. Advanced modeling of protein sequence and biophysical properties (such as structural, functional, and spatial information, amino acid conservation, physicochemical variation, residue mobility, and thermodynamic stability) performed at Invitae indicates that this missense variant is not expected to disrupt FBN3 protein function. In summary, the available evidence is currently insufficient to determine the role of this variant in disease. Therefore, it has been classified as a Variant of Uncertain Significance.

NM_032447.5(FBN3):c.4315G>A (p.Gly1439Arg)

Gene: FBN3 (fibrillin 3; minus strand). Cytogenetic location: 19p13.2.
Variant type: single nucleotide variant.
Coding change: c.4315G>A on transcript NM_032447.5 (MANE Select); coding-DNA position 4315, G replaced by A.
Protein change: p.Gly1439Arg; replaces glycine 1439 with arginine.
Molecular consequence: missense variant.
Genome position (GRCh38, 1-based): chr19:8,110,863, C>T on the plus strand (G>A on the coding strand, the complement: FBN3 is on the minus strand). VCF-style: chr19-8110863-C-T. GRCh37 (hg19) VCF-style: chr19-8175747-C-T.
Other names: c.4315G>A, p.Gly1439Arg (NM_001321431.2); c.4315G>A (NM_032447.3); short protein forms G1439R.
Identifiers: ClinVar variation 2417792 (VCV002417792.7), dbSNP rs755118035, ClinGen allele CA9152106.